The following is an entry in ClinVar:

NM_003737.4(DCHS1):c.3787C>T (p.Leu1263Phe)

Gene: DCHS1 (dachsous cadherin-related 1; minus strand). Cytogenetic location: 11p15.4.
Variant type: single nucleotide variant.
Coding change: c.3787C>T on transcript NM_003737.4 (MANE Select); coding-DNA position 3787, C replaced by T.
Protein change: p.Leu1263Phe; replaces leucine 1263 with phenylalanine.
Molecular consequence: missense variant.
Genome position (GRCh38, 1-based): chr11:6,631,196, G>A on the plus strand (C>T on the coding strand, the complement: DCHS1 is on the minus strand). VCF-style: chr11-6631196-G-A. GRCh37 (hg19) VCF-style: chr11-6652427-G-A.
Other names: c.3787C>T (NM_003737.3); short protein forms L1263F.
Identifiers: ClinVar variation 2519592 (VCV002519592.6), dbSNP rs1041039099, ClinGen allele CA217299046.

ClinVar aggregate classification (germline): Uncertain significance. Review status: criteria provided, multiple submitters, no conflicts (2 of 4 stars). 3 submissions from 3 submitters: Uncertain significance (3). Last evaluated 2025-06-23.

Conditions:
DCHS1-related disorder. Also called: DCHS1-related condition.
Inborn genetic diseases. Identifiers: MedGen C0950123, MeSH D030342.

Allele frequency attached by ClinVar (database versions not stated): gnomAD 0.00001; TOPMed 0.00002; gnomAD exomes 0.00006.
gnomAD v4.1: 85 of 1,611,642 alleles (0.0053%); highest among the groups gnomAD compares: Non-Finnish European, 0.007%; no homozygotes.

Submissions (3):

Labcorp Genetics (formerly Invitae), Labcorp
Classification: Uncertain significance. Last evaluated: 2025-06-23. Review status: criteria provided, single submitter. Criteria: Invitae Variant Classification Sherloc (09022015). Collection method: clinical testing. Allele origin: germline.
Comment: This sequence change replaces leucine, which is neutral and non-polar, with phenylalanine, which is neutral and non-polar, at codon 1263 of the DCHS1 protein (p.Leu1263Phe). This variant is present in population databases (no rsID available, gnomAD 0.0009%). This variant has not been reported in the literature in individuals affected with DCHS1-related conditions. ClinVar contains an entry for this variant (Variation ID: 2519592). Invitae Evidence Modeling of protein sequence and biophysical properties (such as structural, functional, and spatial information, amino acid conservation, physicochemical variation, residue mobility, and thermodynamic stability) indicates that this missense variant is not expected to disrupt DCHS1 protein function with a negative predictive value of 80%. In summary, the available evidence is currently insufficient to determine the role of this variant in disease. Therefore, it has been classified as a Variant of Uncertain Significance.

PreventionGenetics, part of Exact Sciences
Classification: Uncertain significance for DCHS1-related condition. Last evaluated: 2025-03-13. Review status: criteria provided, single submitter. Criteria: ACMG Guidelines, 2015. Collection method: clinical testing. Allele origin: germline.
Comment: The DCHS1 c.3787C>T variant is predicted to result in the amino acid substitution p.Leu1263Phe. To our knowledge, this variant has not been reported in the literature. This variant is reported in 0.00089% of alleles in individuals of European (Non-Finnish) descent in gnomAD. At this time, the clinical significance of this variant is uncertain due to the absence of conclusive functional and genetic evidence.

Ambry Genetics
Classification: Uncertain significance for Inborn genetic diseases. Last evaluated: 2023-06-12. Review status: criteria provided, single submitter. Criteria: Ambry Variant Classification Scheme 2023. Collection method: clinical testing. Allele origin: germline.